The following is an entry in ClinVar:

NM_006648.4(WNK2):c.575G>A (p.Gly192Asp)

Gene: WNK2 (WNK lysine deficient protein kinase 2; plus strand). Cytogenetic location: 9q22.31.
Variant type: single nucleotide variant.
Coding change: c.575G>A on transcript NM_006648.4 (MANE Select); coding-DNA position 575, G replaced by A.
Protein change: p.Gly192Asp; replaces glycine 192 with aspartic acid.
Molecular consequence: missense variant.
Genome position (GRCh38, 1-based): chr9:93,185,504, G>A. VCF-style: chr9-93185504-G-A. GRCh37 (hg19) VCF-style: chr9-95947786-G-A.
Other names: c.575G>A, p.Gly192Asp (NM_001282394.3); short protein forms G192D.
Identifiers: ClinVar variation 4201864 (VCV004201864.1).
Genomic context (GRCh38, chr9:93,185,504, plus strand): 5'-AGCCCGAAGAGGAGGAGGACGACGAGGACGACCTCAAGGCCGTGGCCACCTCTCTGGACG[G>A]CCGCTTCCTCAAGTTCGACATCGAGCTGGGCCGCGGTTCCTTCAAGACGGTCTACAAGGG-3'
Protein context (NP_006639.3, residues 182-202): DLKAVATSLD[Gly192Asp]RFLKFDIELG

ClinVar aggregate classification (germline): Uncertain significance (1 of 4 stars; one submission).

gnomAD v4.1: 4 of 1,612,804 alleles (0.00025%); highest among the groups gnomAD compares: Non-Finnish European, 0.00034%; no homozygotes.

Submission:

Ambry Genetics
Classification: Uncertain significance. Last evaluated: 2025-09-01. Review status: criteria provided, single submitter. Criteria: Ambry Variant Classification Scheme 2023. Collection method: clinical testing. Allele origin: germline.
Comment: The p.G192D variant (also known as c.575G>A), located in coding exon 1 of the WNK2 gene, results from a G to A substitution at nucleotide position 575. The glycine at codon 192 is replaced by aspartic acid, an amino acid with similar properties. This amino acid position is conserved. In addition, this alteration is predicted to be deleterious by in silico analysis. Based on the available evidence, the clinical significance of this variant remains unclear.